The following is an entry in ClinVar:

NM_001366521.1(ATP2B1):c.2230C>T (p.Arg744Ter)

Gene: ATP2B1 (ATPase plasma membrane Ca2+ transporting 1; minus strand). Cytogenetic location: 12q21.33.
Variant type: single nucleotide variant.
Coding change: c.2230C>T on transcript NM_001366521.1 (MANE Select); coding-DNA position 2230, C replaced by T.
Protein change: p.Arg744Ter; replaces arginine 744 with a stop codon.
Molecular consequence: nonsense.
Genome position (GRCh38, 1-based): chr12:89,611,210, G>A on the plus strand (C>T on the coding strand, the complement: ATP2B1 is on the minus strand). VCF-style: chr12-89611210-G-A. GRCh37 (hg19) VCF-style: chr12-90004987-G-A.
Other names: c.2230C>T, p.Arg744Ter (NM_001366524.1, NM_001366525.1, NM_001366526.1 and 8 more transcripts); c.2032C>T, p.Arg678Ter (NM_001366530.1); c.1669C>T, p.Arg557Ter (NM_001366531.1, NM_001366532.1); short protein forms R557*, R678*, R744*.
Identifiers: ClinVar variation 1706695 (VCV001706695.3), dbSNP rs902976276, ClinGen allele CA241606089.

ClinVar aggregate classification (germline): Pathogenic (1 of 4 stars; one submission).

Allele frequency attached by ClinVar (database versions not stated): TOPMed below 0.00001.

Submission:

GeneDx
Classification: Pathogenic. Last evaluated: 2025-03-13. Review status: criteria provided, single submitter. Criteria: GeneDx Variant Classification Process June 2021. Collection method: clinical testing. Allele origin: germline. Affected: yes.
Comment: Not observed at significant frequency in large population cohorts (gnomAD); Has not been previously published as pathogenic or benign to our knowledge; Nonsense variant predicted to result in protein truncation or nonsense mediated decay in a gene for which loss of function is a known mechanism of disease